The following is an entry in ClinVar:

ClinVar aggregate classification (germline): Uncertain significance (1 of 4 stars; one submission).

gnomAD v4.1: 1 of 1,613,684 alleles (0.000062%); no homozygotes.

Submission:

Dasa
Classification: Uncertain significance. Last evaluated: 2025-08-18. Review status: criteria provided, single submitter. Criteria: DASA Assertion Criteria. Collection method: clinical testing. Allele origin: germline.
Comment: NM_170707.4(LMNA):c.1888G>T (p.Gly630Trp) is a missense variant that results in the substitution of glycine with tryptophan. This variant is rare in population databases. The currently available literature and clinical evidence are not sufficient to establish a definitive association between this variant and the reported condition. Therefore, this variant is classified as a variant of uncertain significance.

NM_170707.4(LMNA):c.1888G>T (p.Gly630Trp)

Gene: LMNA (lamin A/C; plus strand). Cytogenetic location: 1q22.
Variant type: single nucleotide variant.
Coding change: c.1888G>T on transcript NM_170707.4 (MANE Select); coding-DNA position 1888, G replaced by T.
Protein change: p.Gly630Trp; replaces glycine 630 with tryptophan.
Molecular consequence: missense variant. On other transcripts: intron variant (1).
Genome position (GRCh38, 1-based): chr1:156,138,677, G>T. VCF-style: chr1-156138677-G-T. GRCh37 (hg19) VCF-style: chr1-156108468-G-T.
Other names: c.1552G>T, p.Gly518Trp (NM_001257374.3, NM_001406989.1); c.1888G>T, p.Gly630Trp (NM_001406983.1, NM_001406985.1, NM_001406991.1); c.1645G>T, p.Gly549Trp (NM_001406986.1, NM_001406987.1); c.1591G>T, p.Gly531Trp (NM_001406988.1); c.1330G>T, p.Gly444Trp (NM_001406990.1, NM_001406993.1, NM_001406995.1 and 2 more transcripts); c.1264G>T, p.Gly422Trp (NM_001406994.1, NM_001406999.1, NM_001407000.1 and 1 more transcripts); c.1798G>T, p.Gly600Trp (NM_170708.4); c.1818+70G>T (NM_001282626.2); short protein forms G422W, G444W, G518W, G531W, G549W, G600W, G630W.
Identifiers: ClinVar variation 4881672 (VCV004881672.2).